The following is an entry in ClinVar:

NM_001110556.2(FLNA):c.1454C>T (p.Ala485Val)

Gene: FLNA (filamin A; minus strand). Cytogenetic location: Xq28.
Variant type: single nucleotide variant.
Coding change: c.1454C>T on transcript NM_001110556.2 (MANE Select); coding-DNA position 1454, C replaced by T.
Protein change: p.Ala485Val; replaces alanine 485 with valine.
Molecular consequence: missense variant.
Genome position (GRCh38, 1-based): chrX:154,365,462, G>A on the plus strand (C>T on the coding strand, the complement: FLNA is on the minus strand). VCF-style: chrX-154365462-G-A. GRCh37 (hg19) VCF-style: chrX-153593830-G-A.
Other names: c.1454C>T, p.Ala485Val (NM_001456.4); c.1454C>T (NM_001110556.1); short protein forms A485V.
Identifiers: ClinVar variation 650395 (VCV000650395.15), dbSNP rs782262202, ClinGen allele CA10561168.
Genomic context (GRCh38, chrX:154,365,462, plus strand): 5'-ACCTTGAAGTCAGCTGTCTCCTTCACCCGCACACCCTTGGGCTGGAGGCCCCGGCCAACC[G>A]CCCGGCAGGCACTCGGGTTACAGGCTGCAGGCAGAGGGGCCAGCTGAGCACCAGCAGCTC-3'
Protein context (NP_001104026.1, residues 475-495): GQACNPSACR[Ala485Val]VGRGLQPKGV

ClinVar aggregate classification (germline): Conflicting classifications of pathogenicity. Review status: criteria provided, conflicting classifications (1 of 4 stars). 3 submissions from 3 submitters: Uncertain significance (1); Likely benign (1). 1 of the submissions does not count toward it. Last evaluated 2026-01-28.

Conditions:
Frontometaphyseal dysplasia (FMD1). Identifiers: Orphanet 1826, MedGen C0265293, MONDO:0015942.
Oto-palato-digital syndrome, type II (OPD2). Also called: FACIOPALATOOSSEOUS SYNDROME; Otopalatodigital Syndrome, Type II; Otopalatodigital Syndrome Type 2 (FLNA-OPD2); OPD II SYNDROME. Identifiers: Orphanet 669, Orphanet 90652, MedGen C1844696, MONDO:0010571, OMIM 304120.
Heterotopia, periventricular, X-linked dominant (PVNH1). Also called: PERIVENTRICULAR NODULAR HETEROTOPIA 4; HETEROTOPIA, PERIVENTRICULAR, 1; PERIVENTRICULAR NODULAR HETEROTOPIA 1; X-linked periventricular heterotopia. Identifiers: Orphanet 2149, Orphanet 82004, MedGen C1848213, MONDO:0010233, OMIM 300049.
Melnick-Needles syndrome (MNS). Also called: Melnick-Needles Syndrome (FLNA-MNS); MELNICK-NEEDLES OSTEODYSPLASTY; OSTEODYSPLASTY OF MELNICK AND NEEDLES. Identifiers: Orphanet 2484, MedGen C0025237, MONDO:0010650, OMIM 309350.
FLNA-related disorder.
Familial thoracic aortic aneurysm and aortic dissection (TAAD). Also called: Thoracic aortic aneurysms and dissections. Identifiers: Orphanet 91387, MedGen C4707243, MONDO:0019625.

Allele frequency attached by ClinVar (database versions not stated): gnomAD exomes 0.00001 and 0.00002; ExAC 0.00002.
gnomAD v4.1: 10 of 1,211,361 alleles (0.00083%); highest among the groups gnomAD compares: Middle Eastern, 0.046%; no homozygotes.

Submissions (3):

Labcorp Genetics (formerly Invitae), Labcorp
Classification: Likely benign for Oto-palato-digital syndrome, type II; Heterotopia, periventricular, X-linked dominant; Frontometaphyseal dysplasia; Melnick-Needles syndrome. Last evaluated: 2026-01-28. Review status: criteria provided, single submitter. Criteria: Invitae Variant Classification Sherloc (09022015). Collection method: clinical testing. Allele origin: germline.

Ambry Genetics
Classification: Uncertain significance for Familial thoracic aortic aneurysm and aortic dissection. Last evaluated: 2019-12-13. Review status: criteria provided, single submitter. Criteria: Ambry Variant Classification Scheme 2023. Collection method: clinical testing. Allele origin: germline.
Comment: The p.A485V variant (also known as c.1454C>T), located in coding exon 9 of the FLNA gene, results from a C to T substitution at nucleotide position 1454. The alanine at codon 485 is replaced by valine, an amino acid with similar properties. This amino acid position is highly conserved in available vertebrate species. In addition, the in silico prediction for this alteration is inconclusive. Since supporting evidence is limited at this time, the clinical significance of this alteration remains unclear.

PreventionGenetics, part of Exact Sciences
Classification: Likely benign for FLNA-related condition. Last evaluated: 2019-05-14. Review status: no assertion criteria provided. Collection method: clinical testing. Allele origin: germline. Not counted in ClinVar's aggregate classification.
Comment: This variant is classified as likely benign based on ACMG/AMP sequence variant interpretation guidelines (Richards et al. 2015 PMID: 25741868, with internal and published modifications).